The following is an entry in ClinVar:

NM_000036.3(AMPD1):c.653A>G (p.Tyr218Cys)

Gene: AMPD1 (adenosine monophosphate deaminase 1; minus strand). Cytogenetic location: 1p13.2.
Variant type: single nucleotide variant.
Coding change: c.653A>G on transcript NM_000036.3 (MANE Select); coding-DNA position 653, A replaced by G.
Protein change: p.Tyr218Cys; replaces tyrosine 218 with cysteine.
Molecular consequence: missense variant.
Genome position (GRCh38, 1-based): chr1:114,680,373, T>C on the plus strand (A>G on the coding strand, the complement: AMPD1 is on the minus strand). VCF-style: chr1-114680373-T-C. GRCh37 (hg19) VCF-style: chr1-115222994-T-C.
Other names: c.641A>G, p.Tyr214Cys (NM_001172626.2); short protein forms Y214C, Y218C.
Identifiers: ClinVar variation 1714178 (VCV001714178.5), dbSNP rs764864128, ClinGen allele CA341750518.

ClinVar aggregate classification (germline): Uncertain significance (1 of 4 stars; one submission).

Conditions:
Muscle AMP deaminase deficiency (MMDD). Also called: ADENOSINE MONOPHOSPHATE DEAMINASE-1 DEFICIENCY, MYOPATHY DUE TO; AMPD1 DEFICIENCY; Myoadenylate deaminase deficiency, myopathy due to; Adenosine monophosphate deaminase 1 deficiency; AMP deaminase 1 deficiency; Adenosine Monophosphate Deaminase 1. Identifiers: Orphanet 45, MedGen C3714933, MONDO:0014220, OMIM 615511.

gnomAD v4.1: 1 of 1,614,210 alleles (0.000062%); highest among the groups gnomAD compares: African/African-American, 0.0013%; no homozygotes.

Submission:

Labcorp Genetics (formerly Invitae), Labcorp
Classification: Uncertain significance for Muscle AMP deaminase deficiency. Last evaluated: 2022-07-29. Review status: criteria provided, single submitter. Criteria: Invitae Variant Classification Sherloc (09022015). Collection method: clinical testing. Allele origin: germline.
Comment: This sequence change replaces tyrosine, which is neutral and polar, with cysteine, which is neutral and slightly polar, at codon 251 of the AMPD1 protein (p.Tyr251Cys). This variant is not present in population databases (gnomAD no frequency). This variant has not been reported in the literature in individuals affected with AMPD1-related conditions. Algorithms developed to predict the effect of missense changes on protein structure and function are either unavailable or do not agree on the potential impact of this missense change (SIFT: "Tolerated"; PolyPhen-2: "Probably Damaging"; Align-GVGD: "Class C0"). In summary, the available evidence is currently insufficient to determine the role of this variant in disease. Therefore, it has been classified as a Variant of Uncertain Significance.